The following is an entry in ClinVar:

NM_000288.4(PEX7):c.590A>G (p.His197Arg)

Gene: PEX7 (peroxisomal biogenesis factor 7; plus strand). Cytogenetic location: 6q23.3.
Variant type: single nucleotide variant.
Coding change: c.590A>G on transcript NM_000288.4 (MANE Select); coding-DNA position 590, A replaced by G.
Protein change: p.His197Arg; replaces histidine 197 with arginine.
Molecular consequence: missense variant.
Genome position (GRCh38, 1-based): chr6:136,866,690, A>G. VCF-style: chr6-136866690-A-G. GRCh37 (hg19) VCF-style: chr6-137187828-A-G.
Other names: c.476A>G, p.His159Arg (NM_001410945.1); short protein forms H159R, H197R.
Identifiers: ClinVar variation 3417130 (VCV003417130.1).
Genomic context (GRCh38, chr6:136,866,690, plus strand): 5'-ATCAGACTCTGAGAATATGGGATGTGAAGGCAGCAGGAGTAAGAATCGTGATTCCTGCAC[A>G]TCAGGCAGAAATCTTGAGTTGTGACTGGTGTAAATACAATGAGGTATAGTGTATGGCTCT-3'
Protein context (NP_000279.1, residues 187-207): AAGVRIVIPA[His197Arg]QAEILSCDWC

ClinVar aggregate classification (germline): Uncertain significance (1 of 4 stars; one submission).

Conditions:
Inborn genetic diseases. Identifiers: MedGen C0950123, MeSH D030342.

Submission:

Ambry Genetics
Classification: Uncertain significance for Inborn genetic diseases. Last evaluated: 2024-10-19. Review status: criteria provided, single submitter. Criteria: Ambry Variant Classification Scheme 2023. Collection method: clinical testing. Allele origin: germline.
Comment: The p.H197R variant (also known as c.590A>G), located in coding exon 6 of the PEX7 gene, results from an A to G substitution at nucleotide position 590. The histidine at codon 197 is replaced by arginine, an amino acid with highly similar properties. This amino acid position is conserved. In addition, this alteration is predicted to be deleterious by in silico analysis. Based on the available evidence, the clinical significance of this variant remains unclear.